The following is an entry in ClinVar:

ClinVar aggregate classification (germline): Likely pathogenic. Review status: criteria provided, single submitter (1 of 4 stars). 2 submissions from 2 submitters: Likely pathogenic (1). 1 of the submissions does not count toward it. Last evaluated 2017-04-27.

Conditions:
Vitamin D-dependent rickets, type 1A. Also called: VITAMIN D HYDROXYLATION-DEFICIENT RICKETS, TYPE 1A; PDDR IA; PSEUDOVITAMIN D-DEFICIENCY RICKETS, TYPE IA. Identifiers: MedGen CN283242, MONDO:0020723, OMIM 264700.
Vitamin D-dependent rickets, type 1 (VDD1). Also called: VITAMIN D DEPENDENCY, TYPE 1. Identifiers: Orphanet 289157, MedGen C0268689, MONDO:0009924.

Allele frequency attached by ClinVar (database versions not stated): gnomAD exomes 0.00001.
gnomAD v4.1: 6 of 1,554,422 alleles (0.00039%); highest among the groups gnomAD compares: East Asian, 0.012%; no homozygotes.

Submissions (2):

Illumina Laboratory Services, Illumina
Classification: Likely pathogenic for Vitamin D-dependent rickets, type 1A. Last evaluated: 2017-04-27. Review status: criteria provided, single submitter. Criteria: ICSL Variant Classification Criteria 09 May 2019. Collection method: clinical testing. Allele origin: germline.
Comment: Control data are unavailable for this variant, which is not reported in the 1000 Genomes Project, the Exome Sequencing Project, the Exome Aggregation Consortium or the Genome Aggregation Database. The p.Arg107His variant was found to result in significantly reduced protein expression and no detectable protein activity as compared to wild type (Sawada et al. 1999; Sawada et al. 2001; Jacobs et al. 2013). Based on the evidence, the p.Arg107His variant is classified as likely pathogenic for vitamin D-dependent rickets. This variant was observed by ICSL as part of a predisposition screen in an ostensibly healthy population.

OMIM
Classification: Pathogenic for VITAMIN D HYDROXYLATION-DEFICIENT RICKETS, TYPE 1A. Last evaluated: 1998-03-05. Review status: no assertion criteria provided. Collection method: literature only. Allele origin: germline. Not counted in ClinVar's aggregate classification.

Literature cited by the submitters: PubMed 9486994 (cited by Illumina Laboratory Services, Illumina and OMIM); PubMed 23423976 (cited by Illumina Laboratory Services, Illumina); PubMed 10518789 (cited by Illumina Laboratory Services, Illumina); PubMed 11737215 (cited by Illumina Laboratory Services, Illumina); PubMed 25284246 (cited by Illumina Laboratory Services, Illumina).

NM_000785.4(CYP27B1):c.320G>A (p.Arg107His)

Gene: CYP27B1 (cytochrome P450 family 27 subfamily B member 1; minus strand). Cytogenetic location: 12q14.1.
Variant type: single nucleotide variant.
Coding change: c.320G>A on transcript NM_000785.4 (MANE Select); coding-DNA position 320, G replaced by A.
Protein change: p.Arg107His; replaces arginine 107 with histidine.
Molecular consequence: missense variant.
Genome position (GRCh38, 1-based): chr12:57,766,073, C>T on the plus strand (G>A on the coding strand, the complement: CYP27B1 is on the minus strand). VCF-style: chr12-57766073-C-T. GRCh37 (hg19) VCF-style: chr12-58159856-C-T.
Other names: short protein forms R107H.
Identifiers: ClinVar variation 1658 (VCV000001658.6), dbSNP rs28934604, ClinGen allele CA115124.